The following is an entry in ClinVar:

ClinVar aggregate classification (germline): Likely benign (1 of 4 stars; one submission).

Submission:

CeGaT Center for Human Genetics Tuebingen
Classification: Likely benign. Last evaluated: 2022-10-01. Review status: criteria provided, single submitter. Criteria: CeGaT Center For Human Genetics Tuebingen Variant Classification Criteria Version 2. Collection method: clinical testing. Allele origin: germline. Affected: yes. Observed: 1 variant allele.
Comment: DST: PM2:Supporting, BP4, BP7

NM_001723.7(DST):c.3448C>T (p.Leu1150=)

Gene: DST (dystonin; minus strand). Cytogenetic location: 6p12.1.
Variant type: single nucleotide variant.
Coding change: c.3448C>T on transcript NM_001723.7 (MANE Plus Clinical); coding-DNA position 3448, C replaced by T.
Protein change: p.Leu1150=; no amino-acid change (leucine 1150 retained).
Molecular consequence: synonymous variant. On other transcripts: intron variant (10).
Genome position (GRCh38, 1-based): chr6:56,620,586, G>A on the plus strand (C>T on the coding strand, the complement: DST is on the minus strand). VCF-style: chr6-56620586-G-A. GRCh37 (hg19) VCF-style: chr6-56485384-G-A.
Other names: c.4929+3944C>T (NM_001374736.1, NM_001374722.1); c.4956+3944C>T (NM_001374734.1); c.4416+3944C>T (NM_001144770.2); c.4296+3944C>T (NM_001374730.1, NM_001386100.1, NM_183380.4 and 1 more transcripts); c.3318+3944C>T (NM_015548.5); c.4830+3944C>T (NM_001144769.5).
Identifiers: ClinVar variation 2656674 (VCV002656674.24), dbSNP rs2536750662, ClinGen allele CA2695198242.